The following is an entry in ClinVar:

ClinVar aggregate classification (germline): Uncertain significance (1 of 4 stars; one submission).

Conditions:
Hereditary cancer-predisposing syndrome. Also called: Neoplastic Syndromes, Hereditary; Tumor predisposition; Hereditary neoplastic syndrome; Hereditary Cancer Syndrome. Identifiers: Orphanet 140162, MedGen C0027672, MeSH D009386, MONDO:0015356.

Submission:

Ambry Genetics
Classification: Uncertain significance for Hereditary cancer-predisposing syndrome. Last evaluated: 2019-06-21. Review status: criteria provided, single submitter. Criteria: Ambry Variant Classification Scheme 2023. Collection method: clinical testing. Allele origin: germline.
Comment: The p.L135P variant (also known as c.404T>C), located in coding exon 4 of the RB1 gene, results from a T to C substitution at nucleotide position 404. The leucine at codon 135 is replaced by proline, an amino acid with similar properties. This amino acid position is well conserved in available vertebrate species. In addition, this alteration is predicted to be deleterious by in silico analysis. Since supporting evidence is limited at this time, the clinical significance of this alteration remains unclear.

NM_000321.3(RB1):c.404T>C (p.Leu135Pro)

Gene: RB1 (RB transcriptional corepressor 1; plus strand). Cytogenetic location: 13q14.2.
Variant type: single nucleotide variant.
Coding change: c.404T>C on transcript NM_000321.3 (MANE Select); coding-DNA position 404, T replaced by C.
Protein change: p.Leu135Pro; replaces leucine 135 with proline.
Molecular consequence: missense variant.
Genome position (GRCh38, 1-based): chr13:48,345,103, T>C. VCF-style: chr13-48345103-T-C. GRCh37 (hg19) VCF-style: chr13-48919239-T-C.
Other names: short protein forms L135P.
Identifiers: ClinVar variation 824539 (VCV000824539.4), dbSNP rs1593435713, ClinGen allele CA388252644.